The following is an entry in ClinVar:

NM_000144.5(FXN):c.2del (p.Met1fs)

Genes: FXN (frataxin; plus strand), LOC130001862 (ATAC-STARR-seq lymphoblastoid silent region 19931; plus strand). Cytogenetic location: 9q21.11.
Variant type: Deletion.
Coding change: c.2del on transcript NM_000144.5 (MANE Select); coding-DNA position 2, one base deleted (T; older notation c.2delT).
Protein change: p.Met1fs; shifts the reading frame from methionine 1.
Molecular consequence: frameshift variant, initiator codon variant.
Genome position (GRCh38, 1-based): chr9:69,035,784, T deleted. VCF-style (leftmost placement, unchanged base first): chr9-69035783-AT-A. GRCh37 (hg19) VCF-style: chr9-71650699-AT-A.
Other names: c.2del, p.Met1fs (NM_181425.3); short protein forms M1fs.
Identifiers: ClinVar variation 3384335 (VCV003384335.1).

ClinVar aggregate classification (germline): Pathogenic (1 of 4 stars; one submission).

Submission:

GeneDx
Classification: Pathogenic. Last evaluated: 2024-06-06. Review status: criteria provided, single submitter. Criteria: GeneDx Variant Classification Process June 2021. Collection method: clinical testing. Allele origin: germline. Affected: yes.
Comment: Initiation codon variant in a gene for which loss of function is a known mechanism of disease; Not observed at significant frequency in large population cohorts (gnomAD); This variant is associated with the following publications: (PMID: 12112211)